The following is an entry in ClinVar:

ClinVar aggregate classification (germline): Conflicting classifications of pathogenicity. Review status: criteria provided, conflicting classifications (1 of 4 stars). 3 submissions from 3 submitters: Uncertain significance (2); Likely benign (1). Last evaluated 2026-02-03.

Conditions:
Renal cell carcinoma. Identifiers: Orphanet 217071, MedGen C0007134, MeSH D002292, MONDO:0005086, HP:0005584.
Hereditary cancer-predisposing syndrome. Also called: Hereditary Cancer Syndrome; Hereditary neoplastic syndrome; Neoplastic Syndromes, Hereditary; Tumor predisposition. Identifiers: Orphanet 140162, MedGen C0027672, MeSH D009386, MONDO:0015356.

Allele frequency attached by ClinVar (database versions not stated): gnomAD exomes below 0.00001; gnomAD 0.00001; TOPMed 0.00001.
gnomAD v4.1: 5 of 1,613,880 alleles (0.00031%); highest among the groups gnomAD compares: Admixed American, 0.0033%; no homozygotes.

Submissions (3):

Labcorp Genetics (formerly Invitae), Labcorp
Classification: Uncertain significance for Renal cell carcinoma. Last evaluated: 2026-02-03. Review status: criteria provided, single submitter. Criteria: Invitae Variant Classification Sherloc (09022015). Collection method: clinical testing. Allele origin: germline.
Comment: This sequence change replaces valine, which is neutral and non-polar, with isoleucine, which is neutral and non-polar, at codon 145 of the MET protein (p.Val145Ile). This variant is present in population databases (no rsID available, gnomAD 0.0009%). This variant has not been reported in the literature in individuals affected with MET-related conditions. ClinVar contains an entry for this variant (Variation ID: 454252). Invitae Evidence Modeling of protein sequence and biophysical properties (such as structural, functional, and spatial information, amino acid conservation, physicochemical variation, residue mobility, and thermodynamic stability) indicates that this missense variant is not expected to disrupt MET protein function with a negative predictive value of 80%. In summary, the available evidence is currently insufficient to determine the role of this variant in disease. Therefore, it has been classified as a Variant of Uncertain Significance.

Ambry Genetics
Classification: Likely benign for Hereditary cancer-predisposing syndrome. Last evaluated: 2024-06-11. Review status: criteria provided, single submitter. Criteria: Ambry Variant Classification Scheme 2023. Collection method: clinical testing. Allele origin: germline.

GeneDx
Classification: Uncertain significance. Last evaluated: 2023-06-06. Review status: criteria provided, single submitter. Criteria: GeneDx Variant Classification Process June 2021. Collection method: clinical testing. Allele origin: germline. Affected: yes.
Comment: Not observed at significant frequency in large population cohorts (gnomAD); In silico analysis supports that this missense variant does not alter protein structure/function; Has not been previously published as pathogenic or benign to our knowledge

NM_000245.4(MET):c.433G>A (p.Val145Ile)

Gene: MET (MET proto-oncogene, receptor tyrosine kinase; plus strand). Cytogenetic location: 7q31.2.
Variant type: single nucleotide variant.
Coding change: c.433G>A on transcript NM_000245.4 (MANE Select); coding-DNA position 433, G replaced by A.
Protein change: p.Val145Ile; replaces valine 145 with isoleucine.
Molecular consequence: missense variant. On other transcripts: intron variant (1).
Genome position (GRCh38, 1-based): chr7:116,699,517, G>A. VCF-style: chr7-116699517-G-A. GRCh37 (hg19) VCF-style: chr7-116339571-G-A.
Other names: c.433G>A, p.Val145Ile (NM_001127500.3, NM_001324401.3); c.-91+26940G>A (NM_001324402.2); short protein forms V145I.
Identifiers: ClinVar variation 454252 (VCV000454252.16), dbSNP rs1410705895, ClinGen allele CA368969069.